The following is an entry in ClinVar:

NM_001378778.1(MPDZ):c.5316A>G (p.Ile1772Met)

Gene: MPDZ (multiple PDZ domain crumbs cell polarity complex component; minus strand). Cytogenetic location: 9p23.
Variant type: single nucleotide variant.
Coding change: c.5316A>G on transcript NM_001378778.1 (MANE Select); coding-DNA position 5316, A replaced by G.
Protein change: p.Ile1772Met; replaces isoleucine 1772 with methionine.
Molecular consequence: missense variant.
Genome position (GRCh38, 1-based): chr9:13,119,565, T>C on the plus strand (A>G on the coding strand, the complement: MPDZ is on the minus strand). VCF-style: chr9-13119565-T-C. GRCh37 (hg19) VCF-style: chr9-13119564-T-C.
Other names: c.5217A>G, p.Ile1739Met (NM_001261406.2, NM_001261407.2, NM_001375416.1 and 3 more transcripts); c.5106A>G, p.Ile1702Met (NM_001375423.1, NM_001375424.1, NM_001375425.1 and 4 more transcripts); c.4908A>G, p.Ile1636Met (NM_001375427.1); c.5316A>G, p.Ile1772Met (NM_003829.5, NM_001330637.2); c.5415A>G, p.Ile1805Met (NM_001375413.1); short protein forms I1702M, I1772M, I1805M, I1636M, I1739M.
Identifiers: ClinVar variation 2131552 (VCV002131552.4), dbSNP rs1470420725, ClinGen allele CA372943582.

ClinVar aggregate classification (germline): Uncertain significance (1 of 4 stars; one submission).

Allele frequency attached by ClinVar (database versions not stated): TOPMed below 0.00001; gnomAD 0.00001.
gnomAD v4.1: 1 of 1,613,910 alleles (0.000062%); highest among the groups gnomAD compares: African/African-American, 0.0013%; no homozygotes.

Submission:

Labcorp Genetics (formerly Invitae), Labcorp
Classification: Uncertain significance. Last evaluated: 2022-04-28. Review status: criteria provided, single submitter. Criteria: Invitae Variant Classification Sherloc (09022015). Collection method: clinical testing. Allele origin: germline.
Comment: This variant is not present in population databases (gnomAD no frequency). This sequence change replaces isoleucine, which is neutral and non-polar, with methionine, which is neutral and non-polar, at codon 1772 of the MPDZ protein (p.Ile1772Met). This variant has not been reported in the literature in individuals affected with MPDZ-related conditions. In summary, the available evidence is currently insufficient to determine the role of this variant in disease. Therefore, it has been classified as a Variant of Uncertain Significance. Algorithms developed to predict the effect of missense changes on protein structure and function are either unavailable or do not agree on the potential impact of this missense change (SIFT: "Deleterious"; PolyPhen-2: "Probably Damaging"; Align-GVGD: "Class C0").